The following is an entry in ClinVar:

ClinVar aggregate classification (germline): Likely benign. Review status: criteria provided, single submitter (1 of 4 stars). 2 submissions from 2 submitters: Likely benign (1). 1 of the submissions does not count toward it. Last evaluated 2023-04-17.

Conditions:
RYR1-related disorder. Also called: RYR1-related condition; RYR1-related disorders. Identifiers: MedGen CN239331.

Submissions (2):

Labcorp Genetics (formerly Invitae), Labcorp
Classification: Likely benign for RYR1-related disorder. Last evaluated: 2023-04-17. Review status: criteria provided, single submitter. Criteria: Invitae Variant Classification Sherloc (09022015). Collection method: clinical testing. Allele origin: germline.

PreventionGenetics, part of Exact Sciences
Classification: Likely benign for RYR1-related condition. Last evaluated: 2021-12-23. Review status: no assertion criteria provided. Collection method: clinical testing. Allele origin: germline. Not counted in ClinVar's aggregate classification.
Comment: This variant is classified as likely benign based on ACMG/AMP sequence variant interpretation guidelines (Richards et al. 2015 PMID: 25741868, with internal and published modifications).

NM_000540.3(RYR1):c.13029T>C (p.Ala4343=)

Gene: RYR1 (ryanodine receptor 1; plus strand). Cytogenetic location: 19q13.2.
Variant type: single nucleotide variant.
Coding change: c.13029T>C on transcript NM_000540.3 (MANE Select); coding-DNA position 13029, T replaced by C.
Protein change: p.Ala4343=; no amino-acid change (alanine 4343 retained).
Molecular consequence: synonymous variant.
Genome position (GRCh38, 1-based): chr19:38,565,363, T>C. VCF-style: chr19-38565363-T-C. GRCh37 (hg19) VCF-style: chr19-39056003-T-C.
Other names: c.13029T>C (NM_000540.2); c.13014T>C, p.Ala4338= (NM_001042723.2).
Identifiers: ClinVar variation 1589451 (VCV001589451.10), dbSNP rs1250000043, ClinGen allele CA507355806.